The following is an entry in ClinVar:

NM_015559.3(SETBP1):c.1684del (p.Tyr562fs)

Gene: SETBP1 (SET binding protein 1; plus strand). Cytogenetic location: 18q12.3.
Variant type: Deletion.
Coding change: c.1684del on transcript NM_015559.3 (MANE Select); coding-DNA position 1684, one base deleted (T; older notation c.1684delT).
Protein change: p.Tyr562fs; shifts the reading frame from tyrosine 562.
Molecular consequence: frameshift variant.
Genome position (GRCh38, 1-based): chr18:44,951,024, T deleted. VCF-style (leftmost placement, unchanged base first): chr18-44951023-AT-A. GRCh37 (hg19) VCF-style: chr18-42530988-AT-A.
Other names: c.1684del, p.Tyr562fs (NM_001379141.1, NM_001379142.1); c.1684delT, p.Tyr562Ilefs (NM_001410862.1); short protein forms Y562fs.
Identifiers: ClinVar variation 2012855 (VCV002012855.4), dbSNP rs2511468802, ClinGen allele CA2580095849.
Genomic context (GRCh38, chr18:44,951,023, plus strand): 5'-CATGCTTCGAGAGGCAGTTATGGCCACCTCTGATAAACTGATGCTGGAGCCCCCGTCTGC[AT>A]ATCCCATCACCCCATCCAGCCCTCTCTACACCAACACAGACAGTCTTACTGTGATCACTC-3'

ClinVar aggregate classification (germline): Pathogenic (1 of 4 stars; one submission).

Submission:

Labcorp Genetics (formerly Invitae), Labcorp
Classification: Pathogenic. Last evaluated: 2024-04-22. Review status: criteria provided, single submitter. Criteria: Invitae Variant Classification Sherloc (09022015). Collection method: clinical testing. Allele origin: germline.
Comment: This sequence change creates a premature translational stop signal (p.Tyr562Ilefs*18) in the SETBP1 gene. It is expected to result in an absent or disrupted protein product. Loss-of-function variants in SETBP1 are known to be pathogenic (PMID: 21037274, 25217958). This variant is not present in population databases (gnomAD no frequency). This variant has not been reported in the literature in individuals affected with SETBP1-related conditions. ClinVar contains an entry for this variant (Variation ID: 2012855). For these reasons, this variant has been classified as Pathogenic.

Literature cited by the submitters: PubMed 21037274; PubMed 25217958.